The following is an entry in ClinVar:

ClinVar aggregate classification (germline): Likely benign. Review status: reviewed by expert panel (3 of 4 stars). 2 submissions from 2 submitters: Likely benign (1). 1 of the submissions does not count toward it. Last evaluated 2024-09-18.

Conditions:
Hereditary thrombocytopenia and hematologic cancer predisposition syndrome. Identifiers: Orphanet 71290, MedGen CN281654, MONDO:0011071.

Allele frequency attached by ClinVar (database versions not stated): gnomAD exomes below 0.00001 and 0.00001.
gnomAD v4.1: 3 of 1,537,438 alleles (0.0002%); highest among the groups gnomAD compares: Non-Finnish European, 0.00026%; no homozygotes.

Submissions (2):

ClinGen Myeloid Malignancy Variant Curation Expert Panel
Classification: Likely benign for Hereditary thrombocytopenia and hematologic cancer predisposition syndrome. Last evaluated: 2024-09-18. Review status: reviewed by expert panel. Criteria: ClinGen MyeloMalig ACMG Specifications v2. Collection method: curation. Allele origin: germline. Inheritance: Autosomal dominant inheritance.
Comment: NM_001754.5(RUNX1):c.1323G>C (p.Leu441=) is a synonymous variant which has a SpliceAI score ≤ 0.20 (0.0) (BP4). This variant has a SpliceAI score ≤ 0.20 (0.0) and evolutionary conservation algorithms predict the site as being not conserved (PhyloP score ≤ 2.0 (1.49) (BP7). In summary, this variant meets criteria to be classified as likely benign. ACMG/AMP criteria applied, as specified by the Myeloid Malignancy Variant Curation Expert Panel for RUNX1: BP4, BP7.

Genetic Services Laboratory, University of Chicago
Classification: Uncertain significance. Last evaluated: 2021-12-01. Review status: criteria provided, single submitter. Criteria: ACMG Guidelines, 2015. Collection method: clinical testing. Allele origin: germline. Affected: no. Not counted in ClinVar's aggregate classification.

NM_001754.5(RUNX1):c.1323G>C (p.Leu441=)

Gene: RUNX1 (RUNX family transcription factor 1; minus strand). Cytogenetic location: 21q22.12.
Variant type: single nucleotide variant.
Coding change: c.1323G>C on transcript NM_001754.5 (MANE Select); coding-DNA position 1323, G replaced by C.
Protein change: p.Leu441=; no amino-acid change (leucine 441 retained).
Molecular consequence: synonymous variant.
Genome position (GRCh38, 1-based): chr21:34,792,255, C>G on the plus strand (G>C on the coding strand, the complement: RUNX1 is on the minus strand). VCF-style: chr21-34792255-C-G. GRCh37 (hg19) VCF-style: chr21-36164552-C-G.
Other names: NM_001754.5(RUNX1):c.1323G>C; p.Leu441=; c.1242G>C, p.Leu414= (NM_001001890.3).
Identifiers: ClinVar variation 1338172 (VCV001338172.5), dbSNP rs1394924518, ClinGen allele CA512341040.
Genomic context (GRCh38, chr21:34,792,255, plus strand): 5'-GTTGCTGTGGCTGCCCTCGGCCTCCACCACGTCGCTCTGGTTCGGGAGGCTGGGGTTGAG[C>G]AGCGCGGAGCCGGTGGAGGCGTTGGTGCAGGGCGGCAGGATGCGCGGCGGCGAGCGCTCG-3'
Protein context (NP_001745.2, residues 431-451): PCTNASTGSA[Leu441=]LNPSLPNQSD